The following is an entry in ClinVar:

NM_002519.3(NPAT):c.3302C>T (p.Pro1101Leu)

Gene: NPAT (nuclear protein, coactivator of histone transcription; minus strand). Cytogenetic location: 11q22.3.
Variant type: single nucleotide variant.
Coding change: c.3302C>T on transcript NM_002519.3 (MANE Select); coding-DNA position 3302, C replaced by T.
Protein change: p.Pro1101Leu; replaces proline 1101 with leucine.
Molecular consequence: missense variant.
Genome position (GRCh38, 1-based): chr11:108,161,784, G>A on the plus strand (C>T on the coding strand, the complement: NPAT is on the minus strand). VCF-style: chr11-108161784-G-A. GRCh37 (hg19) VCF-style: chr11-108032511-G-A.
Other names: c.3323C>T, p.Pro1108Leu (NM_001321307.1); short protein forms P1108L, P1101L.
Identifiers: ClinVar variation 2568029 (VCV002568029.2), dbSNP rs2496696553, ClinGen allele CA382511102.

ClinVar aggregate classification (germline): Uncertain significance (1 of 4 stars; one submission).

Submission:

Ambry Genetics
Classification: Uncertain significance. Last evaluated: 2023-06-07. Review status: criteria provided, single submitter. Criteria: Ambry Variant Classification Scheme 2023. Collection method: clinical testing. Allele origin: germline.
Comment: The p.P1101L variant (also known as c.3302C>T), located in coding exon 17 of the NPAT gene, results from a C to T substitution at nucleotide position 3302. The proline at codon 1101 is replaced by leucine, an amino acid with similar properties. This amino acid position is conserved. In addition, this alteration is predicted to be tolerated by in silico analysis. Since supporting evidence is limited at this time, the clinical significance of this alteration remains unclear.